The following is an entry in ClinVar:

ClinVar aggregate classification (germline): Uncertain significance. Review status: criteria provided, multiple submitters, no conflicts (2 of 4 stars). 2 submissions from 2 submitters: Uncertain significance (2). Last evaluated 2025-12-05.

Conditions:
Ataxia-telangiectasia syndrome (AT). Also called: Ataxia-telangiectasia; LOUIS-BAR SYNDROME; Ataxia-telangiectasia, complementation group D; AT, COMPLEMENTATION GROUP C; ATAXIA-TELANGIECTASIA, COMPLEMENTATION GROUP A; ATAXIA-TELANGIECTASIA, FRESNO VARIANT. Identifiers: Orphanet 100, MedGen C0004135, MONDO:0008840, OMIM 208900.
Hereditary cancer-predisposing syndrome. Also called: Tumor predisposition; Neoplastic Syndromes, Hereditary; Hereditary Cancer Syndrome; Hereditary neoplastic syndrome. Identifiers: Orphanet 140162, MedGen C0027672, MeSH D009386, MONDO:0015356.

Submissions (2):

Labcorp Genetics (formerly Invitae), Labcorp
Classification: Uncertain significance for Ataxia-telangiectasia syndrome. Last evaluated: 2025-12-05. Review status: criteria provided, single submitter. Criteria: Invitae Variant Classification Sherloc (09022015). Collection method: clinical testing. Allele origin: germline.
Comment: This sequence change replaces proline, which is neutral and non-polar, with serine, which is neutral and polar, at codon 3050 of the ATM protein (p.Pro3050Ser). This variant is not present in population databases (gnomAD no frequency). This variant has not been reported in the literature in individuals affected with ATM-related conditions. ClinVar contains an entry for this variant (Variation ID: 1444397). Invitae Evidence Modeling of protein sequence and biophysical properties (such as structural, functional, and spatial information, amino acid conservation, physicochemical variation, residue mobility, and thermodynamic stability) indicates that this missense variant is not expected to disrupt ATM protein function with a negative predictive value of 95%. In summary, the available evidence is currently insufficient to determine the role of this variant in disease. Therefore, it has been classified as a Variant of Uncertain Significance.

Ambry Genetics
Classification: Uncertain significance for Hereditary cancer-predisposing syndrome. Last evaluated: 2023-05-02. Review status: criteria provided, single submitter. Criteria: Ambry Variant Classification Scheme 2023. Collection method: clinical testing. Allele origin: germline.
Comment: The p.P3050S variant (also known as c.9148C>T), located in coding exon 62 of the ATM gene, results from a C to T substitution at nucleotide position 9148. The proline at codon 3050 is replaced by serine, an amino acid with similar properties. This amino acid position is well conserved in available vertebrate species. In addition, this alteration is predicted to be tolerated by in silico analysis. Since supporting evidence is limited at this time, the clinical significance of this alteration remains unclear.

NM_000051.4(ATM):c.9148C>T (p.Pro3050Ser)

Genes: ATM (ATM serine/threonine kinase; plus strand), C11orf65 (chromosome 11 open reading frame 65; minus strand). Cytogenetic location: 11q22.3.
Variant type: single nucleotide variant.
Coding change: c.9148C>T on transcript NM_000051.4 (MANE Select); coding-DNA position 9148, C replaced by T.
Protein change: p.Pro3050Ser; replaces proline 3050 with serine.
Molecular consequence: missense variant. On other transcripts: intron variant (2).
Genome position (GRCh38, 1-based): chr11:108,365,485, C>T. VCF-style: chr11-108365485-C-T. GRCh37 (hg19) VCF-style: chr11-108236212-C-T.
Other names: c.9148C>T, p.Pro3050Ser (NM_001351834.2); c.640+20435G>A (NM_001330368.2); c.694+20435G>A (NM_001351110.2); short protein forms P3050S.
Identifiers: ClinVar variation 1444397 (VCV001444397.8), dbSNP rs2137928327, ClinGen allele CA382532139.